The following is an entry in ClinVar:

NM_002470.4(MYH3):c.31G>C (p.Gly11Arg)

Gene: MYH3 (myosin heavy chain 3; minus strand). Cytogenetic location: 17p13.1.
Variant type: single nucleotide variant.
Coding change: c.31G>C on transcript NM_002470.4 (MANE Select); coding-DNA position 31, G replaced by C.
Protein change: p.Gly11Arg; replaces glycine 11 with arginine.
Molecular consequence: missense variant.
Genome position (GRCh38, 1-based): chr17:10,655,034, C>G on the plus strand (G>C on the coding strand, the complement: MYH3 is on the minus strand). VCF-style: chr17-10655034-C-G. GRCh37 (hg19) VCF-style: chr17-10558351-C-G.
Other names: short protein forms G11R.
Identifiers: ClinVar variation 5005683 (VCV005005683.2).
Genomic context (GRCh38, chr17:10,655,034, plus strand): 5'-GCTGGTTCTGAGCCTCGATCCTCTCCTTTTCTGACTTCCGGAGGAAAGGAGCAGCTATGC[C>G]GAACACTTCCATTTCAGTGTCACTACTCATGGTGTCAGCTGGAAGGCAAACCCACCCGGT-3'
Protein context (NP_002461.2, residues 1-21): MSSDTEMEVF[Gly11Arg]IAAPFLRKSE

ClinVar aggregate classification (germline): Uncertain significance (1 of 4 stars; one submission).

Conditions:
Contractures, pterygia, and variable skeletal fusions syndrome 1B. Also called: CONTRACTURES, PTERYGIA, AND SPONDYLOCARPOTARSAL FUSION SYNDROME 1B. Identifiers: MedGen C5193114, MONDO:0020746, OMIM 618469.
Arthrogryposis, distal, type 2B3. Also called: Arthrogryposis, distal, type 2B3 (Sheldon-Hall). Identifiers: MedGen C5193098, MONDO:0032751, OMIM 618436.
Contractures, pterygia, and spondylocarpotarsal fusion syndrome 1A (CPSFS1A). Also called: MULTIPLE PTERYGIUM SYNDROME, AUTOSOMAL DOMINANT; Distal arthrogryposis type 8; Contractures, pterygia, and variable skeletal fusions syndrome 1A. Identifiers: Orphanet 65743, MedGen C1867440, MONDO:0008338, OMIM 178110.
Freeman-Sheldon syndrome (DA2A). Also called: CRANIOCARPOTARSAL DYSPLASIA; CRANIOCARPOTARSAL DYSTROPHY; WHISTLING FACE-WINDMILL VANE HAND SYNDROME; Arthrogryposis, distal, type 2A (Freeman-Sheldon). Identifiers: Orphanet 2053, MedGen C0265224, MONDO:0008675, OMIM 193700.

Submission:

Juno Genomics, Hangzhou Juno Genomics, Inc
Classification: Uncertain significance for Freeman-Sheldon syndrome; Arthrogryposis, distal, type 2B3; Contractures, pterygia, and spondylocarpotarsal fusion syndrome 1A; Contractures, pterygia, and variable skeletal fusions syndrome 1B. Review status: criteria provided, single submitter. Criteria: ACMG Guidelines, 2015. Collection method: clinical testing. Allele origin: germline.
Comment: Absent from controls (or at extremely low frequency if recessive) in Genome Aggregation Database.;Missense variant in a gene that has a low rate of benign missense variation.;Multiple lines of computational evidence support a deleterious effect on the gene or gene product.